The following is an entry in ClinVar:

NM_000210.4(ITGA6):c.*435A>G

Genes: ITGA6 (integrin subunit alpha 6; plus strand), PDK1-AS1 (PDK1 and ITGA6 antisense RNA 1; minus strand). Cytogenetic location: 2q31.1.
Variant type: single nucleotide variant.
Coding change: c.*435A>G on transcript NM_000210.4 (MANE Select); 435 bases downstream of the stop codon, A replaced by G.
Molecular consequence: 3 prime UTR variant.
Genome position (GRCh38, 1-based): chr2:172,504,503, A>G. VCF-style: chr2-172504503-A-G. GRCh37 (hg19) VCF-style: chr2-173369231-A-G.
Other names: c.*251A>G (NM_001079818.3, NM_001365529.2); c.*435A>G (NM_001316306.2, NM_001365530.2).
Identifiers: ClinVar variation 332395 (VCV000332395.8), dbSNP rs17664, ClinGen allele CA10611398.

ClinVar aggregate classification (germline): Benign. Review status: criteria provided, multiple submitters, no conflicts (2 of 4 stars). 3 submissions from 3 submitters: Benign (3). Last evaluated 2018-11-12.

Conditions:
Junctional epidermolysis bullosa with pyloric atresia. Also called: ITGB4-Related Epidermolysis Bullosa with Pyloric Atresia; ITGA6-Related Epidermolysis Bullosa with Pyloric Atresia; EPIDERMOLYSIS BULLOSA, JUNCTIONAL 5B, WITH PYLORIC ATRESIA; APLASIA CUTIS CONGENITA WITH GASTROINTESTINAL ATRESIA; CARMI SYNDROME; EB-PA-ACC. Identifiers: Orphanet 79403, MedGen C5676875, MONDO:0009183, OMIM 226730.

Allele frequency attached by ClinVar (database versions not stated): gnomAD 0.50450; TOPMed 0.52010; 1000 Genomes Project 30x 0.63007; 1000 Genomes Project 0.63399.
gnomAD v4.1: 160,830 of 328,542 alleles (49%); highest among the groups gnomAD compares: East Asian, 87%; 42,503 homozygotes.

Submissions (3):

GeneDx
Classification: Benign. Last evaluated: 2018-11-12. Review status: criteria provided, single submitter. Criteria: GeneDx Variant Classification Process June 2021. Collection method: clinical testing. Allele origin: germline. Affected: yes.

Illumina Laboratory Services, Illumina
Classification: Benign for Junctional epidermolysis bullosa with pyloric atresia. Last evaluated: 2018-01-13. Review status: criteria provided, single submitter. Criteria: ICSL Variant Classification Criteria 13 December 2019. Collection method: clinical testing. Allele origin: germline.
Comment: This variant was observed in the ICSL laboratory as part of a predisposition screen in an ostensibly healthy population. It had not been previously curated by ICSL or reported in the Human Gene Mutation Database (HGMD: prior to June 1st, 2018), and was therefore a candidate for classification through an automated scoring system. Utilizing variant allele frequency, disease prevalence and penetrance estimates, and inheritance mode, an automated score was calculated to assess if this variant is too frequent to cause the disease. Based on the score and internal cut-off values, a variant classified as benign is not then subjected to further curation. The score for this variant resulted in a classification of benign for this disease.

Breakthrough Genomics
Classification: Benign. Review status: criteria provided, single submitter. Criteria: ACMG Guidelines, 2015. Collection method: not provided. Allele origin: germline. Inheritance: Autosomal recessive inheritance. Affected: yes.